The following is an entry in ClinVar:

ClinVar aggregate classification (germline): Benign. Review status: criteria provided, multiple submitters, no conflicts (2 of 4 stars). 3 submissions from 3 submitters: Benign (2). 1 of the submissions does not count toward it. Last evaluated 2026-01-27.

Conditions:
TAF2-related disorder. Also called: TAF2-related condition.

Allele frequency attached by ClinVar (database versions not stated): gnomAD exomes 0.06195; ESP Exome Variant Server 0.11218; ExAC 0.06587; 1000 Genomes Project 0.08347; 1000 Genomes Project 30x 0.08901; gnomAD 0.10308 and 0.09790; TOPMed 0.09893.
gnomAD v4.1: 111,475 of 1,613,680 alleles (6.9%); highest among the groups gnomAD compares: African/African-American, 21%; 5,010 homozygotes.

Submissions (3):

Labcorp Genetics (formerly Invitae), Labcorp
Classification: Benign. Last evaluated: 2026-01-27. Review status: criteria provided, single submitter. Criteria: Invitae Variant Classification Sherloc (09022015). Collection method: clinical testing. Allele origin: germline.

Breakthrough Genomics
Classification: Benign. Review status: criteria provided, single submitter. Criteria: ACMG Guidelines, 2015. Collection method: not provided. Allele origin: germline. Inheritance: Autosomal recessive inheritance. Affected: yes.

PreventionGenetics, part of Exact Sciences
Classification: Benign for TAF2-related condition. Last evaluated: 2019-11-20. Review status: no assertion criteria provided. Collection method: clinical testing. Allele origin: germline. Not counted in ClinVar's aggregate classification.
Comment: This variant is classified as benign based on ACMG/AMP sequence variant interpretation guidelines (Richards et al. 2015 PMID: 25741868, with internal and published modifications).

NM_003184.4(TAF2):c.3365G>A (p.Ser1122Asn)

Gene: TAF2 (TATA-box binding protein associated factor 2; minus strand). Cytogenetic location: 8q24.12.
Variant type: single nucleotide variant.
Coding change: c.3365G>A on transcript NM_003184.4 (MANE Select); coding-DNA position 3365, G replaced by A.
Protein change: p.Ser1122Asn; replaces serine 1122 with asparagine.
Molecular consequence: missense variant.
Genome position (GRCh38, 1-based): chr8:119,732,159, C>T on the plus strand (G>A on the coding strand, the complement: TAF2 is on the minus strand). VCF-style: chr8-119732159-C-T. GRCh37 (hg19) VCF-style: chr8-120744399-C-T.
Other names: c.3365G>A (NM_003184.3); short protein forms S1122N.
Identifiers: ClinVar variation 1170266 (VCV001170266.12), dbSNP rs956749, ClinGen allele CA4856804.